The following is an entry in ClinVar:

NM_207122.2(EXT2):c.1305+2T>C

Gene: EXT2 (exostosin glycosyltransferase 2; plus strand). Cytogenetic location: 11p11.2.
Variant type: single nucleotide variant.
Coding change: c.1305+2T>C on transcript NM_207122.2 (MANE Select); the canonical splice donor site of the intron after coding-DNA position 1305, T replaced by C.
Molecular consequence: splice donor variant.
Genome position (GRCh38, 1-based): chr11:44,171,744, T>C. VCF-style: chr11-44171744-T-C. GRCh37 (hg19) VCF-style: chr11-44193294-T-C.
Other names: c.1305+2T>C (NM_001389630.1, NM_001389628.1); c.1335+2T>C (NM_001178083.3); c.1404+2T>C (NM_000401.3).
Identifiers: ClinVar variation 1319798 (VCV001319798.13), dbSNP rs202153611, ClinGen allele CA5955213.

ClinVar aggregate classification (germline): Conflicting classifications of pathogenicity. Review status: criteria provided, conflicting classifications (1 of 4 stars). 7 submissions from 7 submitters: Likely pathogenic (6); Uncertain significance (1). Last evaluated 2026-03-26.

Conditions:
Exostoses, multiple, type 2 (EXT2). Also called: Hereditary Multiple Osteochondromatosis, Type II; EXOSTOSES, MULTIPLE, TYPE II. Identifiers: Orphanet 321, MedGen C1851413, MONDO:0007586, OMIM 133701.
Seizures-scoliosis-macrocephaly syndrome. Also called: Seizures, scoliosis, and macrocephaly syndrome; SEIZURES, SCOLIOSIS, AND MACROCEPHALY/MICROCEPHALY SYNDROME. Identifiers: Orphanet 466926, MedGen C4225248, MONDO:0014731, OMIM 616682.

Allele frequency attached by ClinVar (database versions not stated): TOPMed 0.00001; gnomAD exomes 0.00002 and 0.00001; gnomAD 0.00001; ExAC 0.00002.
gnomAD v4.1: 33 of 1,613,782 alleles (0.002%); highest among the groups gnomAD compares: Non-Finnish European, 0.0027%; no homozygotes.

Submissions (7):

GeneDx
Classification: Likely pathogenic. Last evaluated: 2026-03-26. Review status: criteria provided, single submitter. Criteria: GeneDx Variant Classification Process June 2021. Collection method: clinical testing. Allele origin: germline.
Comment: Canonical splice site variant predicted to result in an in-frame loss of the adjacent exon in a gene for which loss of function is a known mechanism of disease; Not observed at significant frequency in large population cohorts (gnomAD); Also known as c.1404+2T>C; This variant is associated with the following publications: (PMID: 29625052, 35045016, 36451132, 34092239)

Women's Health and Genetics/Laboratory Corporation of America, LabCorp
Classification: Likely pathogenic for Seizures-scoliosis-macrocephaly syndrome. Last evaluated: 2025-06-17. Review status: criteria provided, single submitter. Criteria: LabCorp Variant Classification Summary - May 2015. Collection method: clinical testing. Allele origin: germline.
Comment: Variant summary: EXT2 c.1305+2T>C is located in a canonical splice-site and is predicted to affect mRNA splicing resulting in a significantly altered protein due to either exon skipping, shortening, or inclusion of intronic material. Variants that disrupt the consensus splice site are a relatively common cause of aberrant splicing and loss of EXT2 function. Several computational tools predict a significant impact on normal splicing: Three predict the variant abolishes a 5' splicing donor site. One predict the variant no significant impact on splicing. Two predict the variant creates a 5' donor site. However, these predictions have yet to be confirmed by functional studies. The variant allele was found at a frequency of 2e-05 in 1613782 control chromosomes. This frequency is not significantly higher than estimated for a pathogenic variant in EXT2 causing Seizures, Scoliosis, And Macrocephaly Syndrome, allowing no conclusion about variant significance. c.1305+2T>C has been observed in a compound heterozygous individual affected with Seizures, Scoliosis, And Macrocephaly Syndrome (Sabir_2021). To our knowledge, no experimental evidence demonstrating an impact on protein function has been reported. The following publications have been ascertained in the context of this evaluation (PMID: 34092239, 35045016). ClinVar contains an entry for this variant (Variation ID: 1319798). Based on the evidence outlined above, the variant was classified as likely pathogenic.

Labcorp Genetics (formerly Invitae), Labcorp
Classification: Likely pathogenic for Exostoses, multiple, type 2. Last evaluated: 2025-05-17. Review status: criteria provided, single submitter. Criteria: Invitae Variant Classification Sherloc (09022015). Collection method: clinical testing. Allele origin: germline.
Comment: This sequence change affects a donor splice site in intron 8 of the EXT2 gene. It is expected to disrupt RNA splicing. Variants that disrupt the donor or acceptor splice site typically lead to a loss of protein function (PMID: 16199547), and loss-of-function variants in EXT2 are known to be pathogenic (PMID: 10679937, 19810120). This variant is present in population databases (rs202153611, gnomAD 0.002%). Disruption of this splice site has been observed in individual(s) with clinical features of EXT2-related autosomal recessive neurodevelopmental condition (PMID: 34092239). This variant is also known as c.1404+2T>C.. ClinVar contains an entry for this variant (Variation ID: 1319798). Algorithms developed to predict the effect of sequence changes on RNA splicing suggest that this variant may disrupt the consensus splice site. In summary, the currently available evidence indicates that the variant is pathogenic, but additional data are needed to prove that conclusively. Therefore, this variant has been classified as Likely Pathogenic.

Institute for Genomic Medicine (IGM) Clinical Laboratory, Nationwide Children's Hospital
Classification: Likely pathogenic for Exostoses, multiple, type 2. Last evaluated: 2025-03-07. Review status: criteria provided, single submitter. Criteria: ACMG Guidelines, 2015. Collection method: clinical testing. Allele origin: germline.
Comment: This variant is predicted to result in loss of function through nonsense-mediated decay of the encoded transcript or premature truncation of the encoded protein in a gene in which loss of function is a known mechanism of disease (ACMG/AMP: PVS1). This variant has been observed in trans with a pathogenic variant (ACMG/AMP: PM3; PMID:34092239).

Baylor Genetics
Classification: Uncertain significance for Exostoses, multiple, type 2. Last evaluated: 2023-10-18. Review status: criteria provided, single submitter. Criteria: ACMG Guidelines, 2015. Collection method: clinical testing. Allele origin: unknown.

Institute for Clinical Genetics, University Hospital TU Dresden, University Hospital TU Dresden
Classification: Likely pathogenic. Last evaluated: 2021-11-03. Review status: criteria provided, single submitter. Criteria: ACMG Guidelines, 2015. Collection method: clinical testing. Allele origin: germline.

CENTOGENE GmbH and LLC - Guiding Precision Medicine
Classification: Likely pathogenic for Seizures-scoliosis-macrocephaly syndrome. Last evaluated: 2019-07-29. Review status: criteria provided, single submitter. Criteria: ACMG Guidelines, 2015. Collection method: clinical testing. Allele origin: maternal. Affected: yes.

Literature cited by the submitters: PubMed 34092239 (cited by 3 submitters); PubMed 35045016 (cited by Women's Health and Genetics/Laboratory Corporation of America, LabCorp); PubMed 16199547 (cited by Labcorp Genetics (formerly Invitae), Labcorp); PubMed 10679937 (cited by Labcorp Genetics (formerly Invitae), Labcorp); PubMed 19810120 (cited by Labcorp Genetics (formerly Invitae), Labcorp).